The following is an entry in ClinVar:

ClinVar aggregate classification (germline): Pathogenic (1 of 4 stars; one submission).

Submission:

GeneDx
Classification: Pathogenic. Last evaluated: 2014-03-19. Review status: criteria provided, single submitter. Criteria: GeneDx Variant Classification (06012015). Collection method: clinical testing. Allele origin: germline. Affected: yes.
Comment: c.275delG in exon 3 of the MRPS16 gene (NM_016065.3). The normal sequence with the base that is deleted in braces is:ttag{G}TCTT with the intronic bases in lower case and the exonic bases in upper case. The c.275delG mutation in the MRPS16 gene destroys the canonical splice acceptor site in exon 3. It is predicted to cause abnormal gene splicing, either leading to an abnormal message that is subject to nonsense-mediated mRNA decay, or to an abnormal protein product if the message is used for protein translation. Although this mutation has not been previously reported to our knowledge, it is expected to be pathogenic. The variant is found in MITONUC-MITOP panel(s).

NM_016065.3(MRPS16):c.275delG

Genes: MRPS16 (mitochondrial ribosomal protein S16; minus strand), DNAJC9-AS1 (DNAJC9 and MRPS16 antisense RNA 1; plus strand). Cytogenetic location: 10q22.2.
Variant type: Deletion.
Coding change: c.275delG on transcript NM_016065.3; coding-DNA position 275, one base deleted (G).
Molecular consequence: intron variant (on NM_001410935.1).
Genome position (GRCh38, 1-based): chr10:73,250,991, C deleted on the plus strand (G on the coding strand, the reverse complement: MRPS16 is on the minus strand); the first of 2 consecutive C bases (chr10:73,250,991-73,250,992); deleting either gives the same sequence. VCF-style (leftmost placement, unchanged base first): chr10-73250990-AC-A. GRCh37 (hg19) VCF-style: chr10-75010748-AC-A.
Other names: c.274+772del (NM_001410935.1).
Identifiers: ClinVar variation 214677 (VCV000214677.3), dbSNP rs863224075, ClinGen allele CA320415.